The following is an entry in ClinVar:

NM_001844.5(COL2A1):c.2764C>T (p.Pro922Ser)

Gene: COL2A1 (collagen type II alpha 1 chain; minus strand). Cytogenetic location: 12q13.11.
Variant type: single nucleotide variant.
Coding change: c.2764C>T on transcript NM_001844.5 (MANE Select); coding-DNA position 2764, C replaced by T.
Protein change: p.Pro922Ser; replaces proline 922 with serine.
Molecular consequence: missense variant.
Genome position (GRCh38, 1-based): chr12:47,978,728, G>A on the plus strand (C>T on the coding strand, the complement: COL2A1 is on the minus strand). VCF-style: chr12-47978728-G-A. GRCh37 (hg19) VCF-style: chr12-48372511-G-A.
Other names: STL1; c.2557C>T, p.Pro853Ser (NM_033150.3); short protein forms P853S, P922S.
Identifiers: ClinVar variation 1315469 (VCV001315469.13), dbSNP rs769590506, ClinGen allele CA6534983.

ClinVar aggregate classification (germline): Conflicting classifications of pathogenicity. Review status: criteria provided, conflicting classifications (1 of 4 stars). 4 submissions from 4 submitters: Uncertain significance (2); Benign (1); Likely benign (1). Last evaluated 2025-12-06.

Conditions:
Stickler syndrome type 1 (STL1). Also called: COL2A1-Related Stickler Syndrome; STICKLER SYNDROME, MEMBRANOUS VITREOUS TYPE; STICKLER SYNDROME, VITREOUS TYPE 1; ARTHROOPHTHALMOPATHY, HEREDITARY PROGRESSIVE. Identifiers: Orphanet 828, Orphanet 90653, MedGen C2020284, MONDO:0007160, OMIM 108300.

Allele frequency attached by ClinVar (database versions not stated): ExAC 0.00002; gnomAD exomes 0.00002 and 0.00004; gnomAD 0.00003 and 0.00004; TOPMed 0.00004.
gnomAD v4.1: 36 of 1,612,924 alleles (0.0022%); highest among the groups gnomAD compares: Non-Finnish European, 0.00059%; no homozygotes.

Submissions (4):

Labcorp Genetics (formerly Invitae), Labcorp
Classification: Likely benign. Last evaluated: 2025-12-06. Review status: criteria provided, single submitter. Criteria: Invitae Variant Classification Sherloc (09022015). Collection method: clinical testing. Allele origin: germline.

Laboratory of Prof. Karen Avraham, Tel Aviv University
Classification: Uncertain significance for Stickler syndrome type 1. Last evaluated: 2024-12-25. Review status: criteria provided, single submitter. Criteria: ACMG Guidelines, 2015. Collection method: research. Allele origin: germline. Affected: yes. Observed: 1 variant allele.
Comment: The COL2A1 c.2764C>T:p.(Pro922Ser) is possibly deleterious and a founder in the Ashkenazi Jewish population.

GeneDx
Classification: Uncertain significance. Last evaluated: 2023-01-24. Review status: criteria provided, single submitter. Criteria: GeneDx Variant Classification Process June 2021. Collection method: clinical testing. Allele origin: germline. Affected: yes.
Comment: In silico analysis supports that this missense variant has a deleterious effect on protein structure/function; Occurs in the triple helical domain at the X position in the canonical Gly-X-Y repeat; although this variant may have an effect on normal protein folding and function, missense substitution at the X position is not a common mechanism of disease (HGMD); Has not been previously published as pathogenic or benign to our knowledge

Blueprint Genetics
Classification: Benign. Last evaluated: 2022-09-12. Review status: criteria provided, single submitter. Criteria: ACMG Guidelines, 2015. Collection method: clinical testing. Allele origin: germline.